The following is an entry in ClinVar:

ClinVar aggregate classification (germline): Uncertain significance. Review status: criteria provided, multiple submitters, no conflicts (2 of 4 stars). 2 submissions from 2 submitters: Uncertain significance (2). Last evaluated 2026-01-27.

Conditions:
EGFR-related lung cancer (EGFR). Identifiers: MedGen CN130014.
Hereditary cancer-predisposing syndrome. Also called: Hereditary Cancer Syndrome; Neoplastic Syndromes, Hereditary; Tumor predisposition; Hereditary neoplastic syndrome. Identifiers: Orphanet 140162, MedGen C0027672, MeSH D009386, MONDO:0015356.

Allele frequency attached by ClinVar (database versions not stated): TOPMed below 0.00001.
gnomAD v4.1: 3 of 1,613,448 alleles (0.00019%); highest among the groups gnomAD compares: Non-Finnish European, 0.00025%; no homozygotes.

Submissions (2):

Ambry Genetics
Classification: Uncertain significance for Hereditary cancer-predisposing syndrome. Last evaluated: 2026-01-27. Review status: criteria provided, single submitter. Criteria: Ambry Variant Classification Scheme 2023. Collection method: clinical testing. Allele origin: germline.
Comment: The p.D761H variant (also known as c.2281G>C), located in coding exon 19 of the EGFR gene, results from a G to C substitution at nucleotide position 2281. The aspartic acid at codon 761 is replaced by histidine, an amino acid with similar properties. This amino acid position is highly conserved in available vertebrate species. In addition, this alteration is predicted to be deleterious by in silico analysis. Based on the available evidence, the clinical significance of this variant remains unclear.

Labcorp Genetics (formerly Invitae), Labcorp
Classification: Uncertain significance for EGFR-related lung cancer. Last evaluated: 2022-05-18. Review status: criteria provided, single submitter. Criteria: Invitae Variant Classification Sherloc (09022015). Collection method: clinical testing. Allele origin: germline.
Comment: Algorithms developed to predict the effect of missense changes on protein structure and function are either unavailable or do not agree on the potential impact of this missense change (SIFT: "Deleterious"; PolyPhen-2: "Probably Damaging"; Align-GVGD: "Class C0"). This sequence change replaces aspartic acid, which is acidic and polar, with histidine, which is basic and polar, at codon 761 of the EGFR protein (p.Asp761His). This variant is not present in population databases (gnomAD no frequency). This variant has not been reported in the literature in individuals affected with EGFR-related conditions. ClinVar contains an entry for this variant (Variation ID: 1034779). In summary, the available evidence is currently insufficient to determine the role of this variant in disease. Therefore, it has been classified as a Variant of Uncertain Significance.

NM_005228.5(EGFR):c.2281G>C (p.Asp761His)

Gene: EGFR (epidermal growth factor receptor; plus strand). Cytogenetic location: 7p11.2.
Variant type: single nucleotide variant.
Coding change: c.2281G>C on transcript NM_005228.5 (MANE Select); coding-DNA position 2281, G replaced by C.
Protein change: p.Asp761His; replaces aspartic acid 761 with histidine.
Molecular consequence: missense variant.
Genome position (GRCh38, 1-based): chr7:55,174,818, G>C. VCF-style: chr7-55174818-G-C. GRCh37 (hg19) VCF-style: chr7-55242511-G-C.
Other names: c.2281G>C, p.Asp761His (NM_001346898.2); c.2146G>C, p.Asp716His (NM_001346899.2, NM_001346897.2); c.2122G>C, p.Asp708His (NM_001346900.2); c.1480G>C, p.Asp494His (NM_001346941.2); c.2281G>C (NM_005228.3); short protein forms D716H, D494H, D708H, D761H.
Identifiers: ClinVar variation 1034779 (VCV001034779.9), dbSNP rs121913418, ClinGen allele CA367584239.
Genomic context (GRCh38, chr7:55,174,818, plus strand): 5'-CCCGTCGCTATCAAGGAATTAAGAGAAGCAACATCTCCGAAAGCCAACAAGGAAATCCTC[G>C]ATGTGAGTTTCTGCTTTGCTGTGTGGGGGTCCATGGCTCTGAACCTCAGGCCCACCTTTT-3'
Protein context (NP_005219.2, residues 751-771): TSPKANKEIL[Asp761His]EAYVMASVDN